The following is an entry in ClinVar:

NM_000223.4(KRT12):c.617A>G (p.Asn206Ser)

Gene: KRT12 (keratin 12; minus strand). Cytogenetic location: 17q21.2.
Variant type: single nucleotide variant.
Coding change: c.617A>G on transcript NM_000223.4 (MANE Select); coding-DNA position 617, A replaced by G.
Protein change: p.Asn206Ser; replaces asparagine 206 with serine.
Molecular consequence: missense variant.
Genome position (GRCh38, 1-based): chr17:40,866,188, T>C on the plus strand (A>G on the coding strand, the complement: KRT12 is on the minus strand). VCF-style: chr17-40866188-T-C. GRCh37 (hg19) VCF-style: chr17-39022440-T-C.
Other names: c.617A>G (NM_000223.3); short protein forms N206S.
Identifiers: ClinVar variation 2056565 (VCV002056565.7), dbSNP rs147584242, ClinGen allele CA8548840.

ClinVar aggregate classification (germline): Conflicting classifications of pathogenicity. Review status: criteria provided, conflicting classifications (1 of 4 stars). 3 submissions from 3 submitters: Uncertain significance (1); Benign (1). 1 of the submissions does not count toward it. Last evaluated 2025-08-21.

Conditions:
Inborn genetic diseases. Identifiers: MedGen C0950123, MeSH D030342.
KRT12-related disorder. Also called: KRT12-related condition.

Allele frequency attached by ClinVar (database versions not stated): 1000 Genomes Project 0.00120; gnomAD 0.00181; ESP Exome Variant Server 0.00185; 1000 Genomes Project 30x 0.00187; TOPMed 0.00216; ExAC 0.00235; gnomAD exomes 0.00265.
gnomAD v4.1: 4,182 of 1,614,146 alleles (0.26%); highest among the groups gnomAD compares: Middle Eastern, 2.8%; 16 homozygotes.

Submissions (3):

Labcorp Genetics (formerly Invitae), Labcorp
Classification: Benign. Last evaluated: 2025-08-21. Review status: criteria provided, single submitter. Criteria: Invitae Variant Classification Sherloc (09022015). Collection method: clinical testing. Allele origin: germline.

Ambry Genetics
Classification: Uncertain significance for Inborn genetic diseases. Last evaluated: 2021-08-10. Review status: criteria provided, single submitter. Criteria: Ambry Variant Classification Scheme 2023. Collection method: clinical testing. Allele origin: germline.

PreventionGenetics, part of Exact Sciences
Classification: Benign for KRT12-related condition. Last evaluated: 2019-07-22. Review status: no assertion criteria provided. Collection method: clinical testing. Allele origin: germline. Not counted in ClinVar's aggregate classification.
Comment: This variant is classified as benign based on ACMG/AMP sequence variant interpretation guidelines (Richards et al. 2015 PMID: 25741868, with internal and published modifications).